The following is an entry in ClinVar:

ClinVar aggregate classification (germline): Pathogenic/Likely pathogenic. Review status: criteria provided, multiple submitters, no conflicts (2 of 4 stars). 2 submissions from 2 submitters: Pathogenic (1); Likely pathogenic (1). Last evaluated 2024-12-21.

Conditions:
CCDC39-related disorder. Also called: CCDC39-related condition.
Primary ciliary dyskinesia. Also called: Ciliary dyskinesia. Identifiers: Orphanet 244, MedGen C0008780, MONDO:0016575, HP:0012265.

Allele frequency attached by ClinVar (database versions not stated): ExAC 0.00001; gnomAD 0.00001; TOPMed 0.00001; gnomAD exomes 0.00002 and 0.00001.
gnomAD v4.1: 27 of 1,540,186 alleles (0.0018%); highest among the groups gnomAD compares: Non-Finnish European, 0.0024%; no homozygotes.

Submissions (2):

PreventionGenetics, part of Exact Sciences
Classification: Likely pathogenic for CCDC39-related condition. Last evaluated: 2024-12-21. Review status: criteria provided, single submitter. Criteria: ACMG Guidelines, 2015. Collection method: clinical testing. Allele origin: germline.
Comment: The CCDC39 c.2586+1G>A variant is predicted to disrupt the GT donor site and interfere with normal splicing. To our knowledge, this variant has not been reported in the literature. This variant is reported in 0.0011% of alleles in individuals of European (Non-Finnish) descent in gnomAD. Variants that disrupt the consensus splice donor site in CCDC39 are expected to be pathogenic. This variant is interpreted as likely pathogenic.

Labcorp Genetics (formerly Invitae), Labcorp
Classification: Pathogenic for Primary ciliary dyskinesia. Last evaluated: 2024-01-17. Review status: criteria provided, single submitter. Criteria: Invitae Variant Classification Sherloc (09022015). Collection method: clinical testing. Allele origin: germline.
Comment: This sequence change affects a donor splice site in intron 18 of the CCDC39 gene. It is expected to disrupt RNA splicing. Variants that disrupt the donor or acceptor splice site typically lead to a loss of protein function (PMID: 16199547), and loss-of-function variants in CCDC39 are known to be pathogenic (PMID: 21131972, 23255504). This variant is present in population databases (rs758362162, gnomAD 0.001%). Disruption of this splice site has been observed in individual(s) with clinical features of primary ciliary dyskinesia (Invitae). In at least one individual the data is consistent with being in trans (on the opposite chromosome) from a pathogenic variant. ClinVar contains an entry for this variant (Variation ID: 937211). Algorithms developed to predict the effect of sequence changes on RNA splicing suggest that this variant may disrupt the consensus splice site. For these reasons, this variant has been classified as Pathogenic.

Literature cited by the submitters: PubMed 16199547 (cited by Labcorp Genetics (formerly Invitae), Labcorp); PubMed 21131972 (cited by Labcorp Genetics (formerly Invitae), Labcorp); PubMed 23255504 (cited by Labcorp Genetics (formerly Invitae), Labcorp).

NM_181426.2(CCDC39):c.2586+1G>A

Genes: CCDC39 (coiled-coil domain 39 molecular ruler complex subunit; minus strand), TTC14 (tetratricopeptide repeat domain 14; plus strand). Cytogenetic location: 3q26.33.
Variant type: single nucleotide variant.
Coding change: c.2586+1G>A on transcript NM_181426.2 (MANE Select); the canonical splice donor site of the intron after coding-DNA position 2586, G replaced by A.
Molecular consequence: splice donor variant. On other transcripts: intron variant (1).
Genome position (GRCh38, 1-based): chr3:180,616,515, C>T on the plus strand (G>A on the coding strand, the complement: CCDC39 is on the minus strand). VCF-style: chr3-180616515-C-T. GRCh37 (hg19) VCF-style: chr3-180334303-C-T.
Other names: c.1775-865C>T (NM_001288582.2).
Identifiers: ClinVar variation 937211 (VCV000937211.11), dbSNP rs758362162, ClinGen allele CA2715636.